The following is an entry in ClinVar:

ClinVar aggregate classification (germline): Uncertain significance. Review status: criteria provided, multiple submitters, no conflicts (2 of 4 stars). 2 submissions from 2 submitters: Uncertain significance (2). Last evaluated 2025-07-18.

Conditions:
Dilated cardiomyopathy 1DD (CMD1DD). Identifiers: Orphanet 154, MedGen C2750995, MONDO:0013168, OMIM 613172.

gnomAD v4.1: 1 of 1,521,602 alleles (0.000066%); highest among the groups gnomAD compares: Non-Finnish European, 0.000088%; no homozygotes.

Submissions (2):

Labcorp Genetics (formerly Invitae), Labcorp
Classification: Uncertain significance for Dilated cardiomyopathy 1DD. Last evaluated: 2025-07-18. Review status: criteria provided, single submitter. Criteria: Invitae Variant Classification Sherloc (09022015). Collection method: clinical testing. Allele origin: germline.
Comment: This sequence change replaces alanine, which is neutral and non-polar, with valine, which is neutral and non-polar, at codon 11 of the RBM20 protein (p.Ala11Val). This variant is not present in population databases (gnomAD no frequency). This variant has not been reported in the literature in individuals affected with RBM20-related conditions. ClinVar contains an entry for this variant (Variation ID: 193183). Invitae Evidence Modeling of protein sequence and biophysical properties (such as structural, functional, and spatial information, amino acid conservation, physicochemical variation, residue mobility, and thermodynamic stability) indicates that this missense variant is not expected to disrupt RBM20 protein function with a negative predictive value of 95%. In summary, the available evidence is currently insufficient to determine the role of this variant in disease. Therefore, it has been classified as a Variant of Uncertain Significance.

Eurofins Ntd Llc (ga)
Classification: Uncertain significance. Last evaluated: 2015-03-05. Review status: criteria provided, single submitter. Criteria: EGL Classification Definitions 2015. Collection method: clinical testing. Allele origin: germline. Observed: 1 variant allele, 1 heterozygote.

NM_001134363.3(RBM20):c.32C>T (p.Ala11Val)

Gene: RBM20 (RNA binding motif protein 20; plus strand). Cytogenetic location: 10q25.2.
Variant type: single nucleotide variant.
Coding change: c.32C>T on transcript NM_001134363.3 (MANE Select); coding-DNA position 32, C replaced by T.
Protein change: p.Ala11Val; replaces alanine 11 with valine.
Molecular consequence: missense variant.
Genome position (GRCh38, 1-based): chr10:110,644,486, C>T. VCF-style: chr10-110644486-C-T. GRCh37 (hg19) VCF-style: chr10-112404244-C-T.
Other names: short protein forms A11V.
Identifiers: ClinVar variation 193183 (VCV000193183.7), dbSNP rs794726895, ClinGen allele CA238690.